The following is an entry in ClinVar:

ClinVar aggregate classification (germline): Uncertain significance (1 of 4 stars; one submission).

gnomAD v4.1: 1 of 1,614,174 alleles (0.000062%); highest among the groups gnomAD compares: South Asian, 0.0011%; no homozygotes.

Submission:

Labcorp Genetics (formerly Invitae), Labcorp
Classification: Uncertain significance. Last evaluated: 2025-05-21. Review status: criteria provided, single submitter. Criteria: Invitae Variant Classification Sherloc (09022015). Collection method: clinical testing. Allele origin: germline.
Comment: This sequence change replaces leucine, which is neutral and non-polar, with valine, which is neutral and non-polar, at codon 392 of the EFTUD2 protein (p.Leu392Val). This variant is not present in population databases (gnomAD no frequency). This variant has not been reported in the literature in individuals affected with EFTUD2-related conditions. Invitae Evidence Modeling of protein sequence and biophysical properties (such as structural, functional, and spatial information, amino acid conservation, physicochemical variation, residue mobility, and thermodynamic stability) indicates that this missense variant is not expected to disrupt EFTUD2 protein function with a negative predictive value of 80%. In summary, the available evidence is currently insufficient to determine the role of this variant in disease. Therefore, it has been classified as a Variant of Uncertain Significance.

NM_004247.4(EFTUD2):c.1174C>G (p.Leu392Val)

Gene: EFTUD2 (elongation factor Tu GTP binding domain containing 2; minus strand). Cytogenetic location: 17q21.31.
Variant type: single nucleotide variant.
Coding change: c.1174C>G on transcript NM_004247.4 (MANE Select); coding-DNA position 1174, C replaced by G.
Protein change: p.Leu392Val; replaces leucine 392 with valine.
Molecular consequence: missense variant.
Genome position (GRCh38, 1-based): chr17:44,865,041, G>C on the plus strand (C>G on the coding strand, the complement: EFTUD2 is on the minus strand). VCF-style: chr17-44865041-G-C. GRCh37 (hg19) VCF-style: chr17-42942409-G-C.
Other names: c.1069C>G, p.Leu357Val (NM_001142605.2); c.1174C>G, p.Leu392Val (NM_001258353.2); c.1144C>G, p.Leu382Val (NM_001258354.2); short protein forms L382V, L392V, L357V.
Identifiers: ClinVar variation 4740523 (VCV004740523.1).